The following is an entry in ClinVar:

ClinVar aggregate classification (germline): Uncertain significance (1 of 4 stars; one submission).

Allele frequency attached by ClinVar (database versions not stated): gnomAD exomes below 0.00001 and 0.00001; gnomAD 0.00003; TOPMed 0.00003.
gnomAD v4.1: 11 of 1,608,380 alleles (0.00068%); highest among the groups gnomAD compares: Admixed American, 0.0068%; no homozygotes.

Submission:

Labcorp Genetics (formerly Invitae), Labcorp
Classification: Uncertain significance. Last evaluated: 2021-10-09. Review status: criteria provided, single submitter. Criteria: Invitae Variant Classification Sherloc (09022015). Collection method: clinical testing. Allele origin: germline.
Comment: This sequence change replaces alanine with serine at codon 636 of the TBCD protein (p.Ala636Ser). The alanine residue is moderately conserved and there is a moderate physicochemical difference between alanine and serine. This variant is not present in population databases (ExAC no frequency). This variant has not been reported in the literature in individuals affected with TBCD-related conditions. Algorithms developed to predict the effect of missense changes on protein structure and function are either unavailable or do not agree on the potential impact of this missense change (SIFT: "Deleterious"; PolyPhen-2: "Benign"; Align-GVGD: "Class C0"). In summary, the available evidence is currently insufficient to determine the role of this variant in disease. Therefore, it has been classified as a Variant of Uncertain Significance.

NM_005993.5(TBCD):c.1906G>T (p.Ala636Ser)

Gene: TBCD (tubulin folding cofactor D). Cytogenetic location: 17q25.3.
Variant type: single nucleotide variant.
Coding change: c.1906G>T on transcript NM_005993.5 (MANE Select); coding-DNA position 1906, G replaced by T.
Protein change: p.Ala636Ser; replaces alanine 636 with serine.
Molecular consequence: missense variant.
Genome position (GRCh38, 1-based): chr17:82,906,037, G>T. VCF-style: chr17-82906037-G-T. GRCh37 (hg19) VCF-style: chr17-80863913-G-T.
Other names: short protein forms A636S.
Identifiers: ClinVar variation 1490904 (VCV001490904.3), dbSNP rs1274462216, ClinGen allele CA401631305.